The following is an entry in ClinVar:

NM_007294.4(BRCA1):c.5467+1G>T

Gene: BRCA1 (BRCA1 DNA repair associated; minus strand). Cytogenetic location: 17q21.31.
Variant type: single nucleotide variant.
Coding change: c.5467+1G>T on transcript NM_007294.4 (MANE Select); the canonical splice donor site of the intron after coding-DNA position 5467, G replaced by T.
Molecular consequence: splice donor variant.
Genome position (GRCh38, 1-based): chr17:43,047,642, C>A on the plus strand (G>T on the coding strand, the complement: BRCA1 is on the minus strand). VCF-style: chr17-43047642-C-A. GRCh37 (hg19) VCF-style: chr17-41199659-C-A.
Other names: c.5461+1G>T (NM_001407639.1, NM_001407632.1, NM_001407627.1 and 13 more transcripts); c.5390+1G>T (NM_001407859.1, NM_001407860.1, NM_001407858.1); c.5464+1G>T (NM_001407620.1, NM_001407623.1, NM_001407613.1 and 14 more transcripts); c.5467+1G>T (NM_001407597.1, NM_001407605.1, NM_001407603.1 and 5 more transcripts); c.5533+1G>T (NM_001407582.1, NM_001407581.1); c.5251+1G>T (NM_001407917.1, NM_001407915.1, NM_001407916.1 and 1 more transcripts); c.2014+1G>T (NM_001408462.1, NM_001408458.1, NM_001408461.1 and 7 more transcripts); c.5254+1G>T (NM_001407902.1, NM_001407897.1, NM_001407908.1 and 12 more transcripts); and 83 more.
Identifiers: ClinVar variation 868924 (VCV000868924.3), dbSNP rs80358145, ClinGen allele CA10590414.
Genomic context (GRCh38, chr17:43,047,642, plus strand): 5'-GTGATAAACCAAACCCATGCAAAAGGACCCCATATAGCACAGGTACATGCAGGCACCTTA[C>A]CATGGAAGCCATTGTCCTCTGTCCAGGCATCTGGCTGCACAACCACAATTGGGTGGACAC-3'

Conditions:
Breast-ovarian cancer, familial, susceptibility to, 1 (BROVCA1). Also called: BRCA1 Hereditary Breast and Ovarian Cancer; OVARIAN CANCER, SUSCEPTIBILITY TO. Identifiers: Orphanet 145, MedGen C2676676, MONDO:0011450, OMIM 604370. Disease mechanism: loss of function.

Submission:

Brotman Baty Institute, University of Washington
No classification provided (evidence only). Condition: Breast-ovarian cancer, familial 1. Review status: no classification provided. Collection method: in vitro. Allele origin: not applicable. Functional consequence: functionally_abnormal.
ClinVar note: "not provided" was previously submitted as the classification for the variant. However, the classification appeared to be based only on an observation of functional data so it was converted to no classification on 2025-07-30.